The following is an entry in ClinVar:

ClinVar aggregate classification (germline): Benign (1 of 4 stars; one submission).

Conditions:
Melanoma-pancreatic cancer syndrome. Identifiers: Orphanet 404560, MedGen C1838547, MONDO:0011713, OMIM 606719. Disease mechanism: loss of function.

Submission:

Myriad Genetics, Inc.
Classification: Benign for Melanoma-pancreatic cancer syndrome. Last evaluated: 2025-08-12. Review status: criteria provided, single submitter. Criteria: Myriad Autosomal Dominant, Autosomal Recessive and X-Linked Classification Criteria (2023). Collection method: clinical testing. Allele origin: unknown.
Comment: This variant is considered benign. This variant is a silent/synonymous amino acid change and it is not expected to impact splicing.

NM_058195.4(CDKN2A):c.27C>A (p.Leu9=)

Gene: CDKN2A (cyclin dependent kinase inhibitor 2A; minus strand). Cytogenetic location: 9p21.3.
Variant type: single nucleotide variant.
Coding change: c.27C>A on transcript NM_058195.4 (MANE Plus Clinical); coding-DNA position 27, C replaced by A.
Protein change: p.Leu9=; no amino-acid change (leucine 9 retained).
Molecular consequence: synonymous variant. On other transcripts: intron variant (1).
Genome position (GRCh38, 1-based): chr9:21,994,305, G>T on the plus strand (C>A on the coding strand, the complement: CDKN2A is on the minus strand). VCF-style: chr9-21994305-G-T. GRCh37 (hg19) VCF-style: chr9-21994304-G-T.
Other names: c.-4+516C>A (NM_001363763.2).
Identifiers: ClinVar variation 4294117 (VCV004294117.1).